The following is an entry in ClinVar:

NM_017775.4(TTC19):c.23G>C (p.Ser8Thr)

Genes: TTC19 (tetratricopeptide repeat domain 19; plus strand), LOC130060311 (ATAC-STARR-seq lymphoblastoid silent region 8214; plus strand). Cytogenetic location: 17p12.
Variant type: single nucleotide variant.
Coding change: c.23G>C on transcript NM_017775.4 (MANE Select); coding-DNA position 23, G replaced by C.
Protein change: p.Ser8Thr; replaces serine 8 with threonine.
Molecular consequence: missense variant. On other transcripts: 5 prime UTR variant (1).
Genome position (GRCh38, 1-based): chr17:15,999,871, G>C. VCF-style: chr17-15999871-G-C. GRCh37 (hg19) VCF-style: chr17-15903185-G-C.
Other names: p.S8T:AGC>ACC; c.-436G>C (NM_001271420.2); short protein forms S8T.
Identifiers: ClinVar variation 215299 (VCV000215299.1), dbSNP rs550775797, ClinGen allele CA320090.

ClinVar aggregate classification (germline): Likely benign (1 of 4 stars; one submission).

Allele frequency attached by ClinVar (database versions not stated): gnomAD 0.00001; TOPMed 0.00001.
gnomAD v4.1: 10 of 1,460,792 alleles (0.00068%); highest among the groups gnomAD compares: African/African-American, 0.0029%; no homozygotes.

Submission:

GeneDx
Classification: Likely benign. Last evaluated: 2013-12-17. Review status: criteria provided, single submitter. Criteria: GeneDx Variant Classification (06012015). Collection method: clinical testing. Allele origin: germline. Affected: yes.
Comment: This variant is considered likely benign or benign based on one or more of the following criteria: it is a conservative change, it occurs at a poorly conserved position in the protein, it is predicted to be benign by multiple in silico algorithms, and/or has population frequency not consistent with disease.